The following is an entry in ClinVar:

NM_000051.4(ATM):c.3285-6T>C

Gene: ATM (ATM serine/threonine kinase; plus strand). Cytogenetic location: 11q22.3.
Variant type: single nucleotide variant.
Coding change: c.3285-6T>C on transcript NM_000051.4 (MANE Select); 6 bases into the intron before coding-DNA position 3285, T replaced by C.
Molecular consequence: intron variant.
Genome position (GRCh38, 1-based): chr11:108,279,485, T>C. VCF-style: chr11-108279485-T-C. GRCh37 (hg19) VCF-style: chr11-108150212-T-C.
Other names: c.3285-6T>C (NM_001351834.2).
Identifiers: ClinVar variation 3254447 (VCV003254447.1), dbSNP rs2546861443.

ClinVar aggregate classification (germline): Likely benign (1 of 4 stars; one submission).

Conditions:
Familial cancer of breast. Also called: BREAST CANCER, FAMILIAL; Hereditary breast cancer; hereditary breast carcinoma. Identifiers: Orphanet 227535, MedGen C0346153, MONDO:0016419, OMIM 114480. Disease mechanism: loss of function.

Submission:

Myriad Genetics, Inc.
Classification: Likely benign for Familial cancer of breast. Last evaluated: 2024-05-14. Review status: criteria provided, single submitter. Criteria: Myriad Autosomal Dominant, Autosomal Recessive and X-Linked Classification Criteria (2023). Collection method: clinical testing. Allele origin: unknown.
Comment: This variant is considered likely benign. This variant is intronic and is not expected to impact mRNA splicing.